The following is an entry in ClinVar:

ClinVar aggregate classification (germline): Uncertain significance (1 of 4 stars; one submission).

Submission:

Women's Health and Genetics/Laboratory Corporation of America, LabCorp
Classification: Uncertain significance. Last evaluated: 2022-03-21. Review status: criteria provided, single submitter. Criteria: LabCorp Variant Classification Summary - May 2015. Collection method: clinical testing. Allele origin: germline.
Comment: Variant summary: The variant identified by MLPA or other technology involves the duplication of exons 1-20 in the AHI1 gene. The exact breakpoint at the 5' end of this variant is unknown and therefore this duplication might extend upsream of the assayed region of the AHI1 gene. A presumed nomenclature of c.(?_-300)_(2961+1_2962-1)dup has been designated for the purposes of this classification. It has been assumed that this is a tandem duplication in direct orientation (Richardson_GIM_2018, Newman_AJHG_2015). Since the exact breakpoints of this duplication are not known, it is not possible to predict if it causes an in-frame or an out-of-frame product. The variant was absent in 21694 control chromosomes (gnomAD database, Structural Variants dataset). The available data on variant occurrences in the general population are insufficient to allow any conclusion about variant significance. To our knowledge, no occurrence of c.(?_-300)_(2961+1_2962-1)dup in individuals affected with Joubert Syndrome And Related Disorders and no experimental evidence demonstrating its impact on protein function have been reported. In conclusion, while it may be assumed that duplication variants including a large DNA segment upstream of the gene (i.e. containing essential promoter- and regulatory elements) might result in regular transcription initiation leading to in an intact protein product, shorter tandem duplication variants involving the first 20 exons, could result in a frameshift or in-frame duplication change causing disease. Since it is not possible to distinguish between these two outcomes in the context of this evaluation, the variant was classified as uncertain significance until more information becomes available.

NC_000006.11:g.(135726116_135732485)_(135818904_?)dup

Gene: AHI1 (Abelson helper integration site 1; minus strand). Cytogenetic location: 6q23.3.
Variant type: Duplication.
Identifiers: ClinVar variation 1677170 (VCV001677170.1).